The following is an entry in ClinVar:

ClinVar aggregate classification (germline): Conflicting classifications of pathogenicity. Review status: criteria provided, conflicting classifications (1 of 4 stars). 8 submissions from 8 submitters: Uncertain significance (7); Benign (1). Last evaluated 2026-01-21.

Conditions:
Hereditary nonpolyposis colorectal neoplasms. Identifiers: MedGen C0009405, MeSH D003123.
Hereditary cancer-predisposing syndrome. Also called: Tumor predisposition; Hereditary Cancer Syndrome; Hereditary neoplastic syndrome; Neoplastic Syndromes, Hereditary. Identifiers: Orphanet 140162, MedGen C0027672, MeSH D009386, MONDO:0015356.
Lynch syndrome. Identifiers: Orphanet 144, MedGen C4552100, MONDO:0005835. Disease mechanism: loss of function.
Endometrial carcinoma. Also called: Endometrial carcinoma, somatic. Identifiers: MedGen C0476089, MONDO:0002447, OMIM 608089, HP:0012114.

Allele frequency attached by ClinVar (database versions not stated): TOPMed 0.00001.

Submissions (8):

Labcorp Genetics (formerly Invitae), Labcorp
Classification: Benign for Hereditary nonpolyposis colorectal neoplasms. Last evaluated: 2026-01-21. Review status: criteria provided, single submitter. Criteria: Invitae Variant Classification Sherloc (09022015). Collection method: clinical testing. Allele origin: germline.

Ambry Genetics
Classification: Uncertain significance for Hereditary cancer-predisposing syndrome. Last evaluated: 2025-02-22. Review status: criteria provided, single submitter. Criteria: Ambry Variant Classification Scheme 2023. Collection method: clinical testing. Allele origin: germline.
Comment: The p.G289A variant (also known as c.866G>C), located in coding exon 4 of the MSH6 gene, results from a G to C substitution at nucleotide position 866. The glycine at codon 289 is replaced by alanine, an amino acid with similar properties. This amino acid position is not well conserved in available vertebrate species. In addition, this alteration is predicted to be tolerated by in silico analysis. Since supporting evidence is limited at this time, the clinical significance of this alteration remains unclear.

All of Us Research Program, National Institutes of Health
Classification: Uncertain significance for Lynch syndrome. Last evaluated: 2024-05-14. Review status: criteria provided, single submitter. Criteria: ACMG Guidelines, 2015. Collection method: clinical testing. Allele origin: germline. Inheritance: Autosomal dominant inheritance. Observed: 1 variant allele, 1 heterozygote.
Comment: This missense variant replaces glycine with alanine at codon 289 of the MSH6 protein. Computational prediction suggests that this variant may not impact protein structure and function (internally defined REVEL score threshold <= 0.5, PMID: 27666373). To our knowledge, functional studies have not been reported for this variant. This variant has not been reported in individuals affected with MSH6-related disorders in the literature. This variant has not been identified in the general population by the Genome Aggregation Database (gnomAD). The available evidence is insufficient to determine the role of this variant in disease conclusively. Therefore, this variant is classified as a Variant of Uncertain Significance.

This study involves interpretation of variants in research participants for the purpose of population health screening. Participant phenotype was not available at the time of variant classification. Additional details can be found in publication PMID: 35346344, PMCID: PMC8962531

Color Diagnostics, LLC DBA Color Health
Classification: Uncertain significance for Hereditary cancer-predisposing syndrome. Last evaluated: 2024-05-01. Review status: criteria provided, single submitter. Criteria: ACMG Guidelines, 2015. Collection method: clinical testing. Allele origin: germline.
Comment: This missense variant replaces glycine with alanine at codon 289 of the MSH6 protein. Computational prediction suggests that this variant may not impact protein structure and function (internally defined REVEL score threshold <= 0.5, PMID: 27666373). To our knowledge, functional studies have not been reported for this variant. This variant has not been reported in individuals affected with MSH6-related disorders in the literature. This variant has not been identified in the general population by the Genome Aggregation Database (gnomAD). The available evidence is insufficient to determine the role of this variant in disease conclusively. Therefore, this variant is classified as a Variant of Uncertain Significance.

Baylor Genetics
Classification: Uncertain significance for Endometrial carcinoma. Last evaluated: 2024-02-06. Review status: criteria provided, single submitter. Criteria: ACMG Guidelines, 2015. Collection method: clinical testing. Allele origin: unknown.

Institute for Clinical Genetics, University Hospital TU Dresden, University Hospital TU Dresden
Classification: Uncertain significance. Last evaluated: 2021-11-03. Review status: criteria provided, single submitter. Criteria: ACMG Guidelines, 2015. Collection method: clinical testing. Allele origin: germline.

Quest Diagnostics Nichols Institute San Juan Capistrano
Classification: Uncertain significance. Last evaluated: 2021-07-29. Review status: criteria provided, single submitter. Criteria: Quest Diagnostics criteria. Collection method: clinical testing. Allele origin: unknown.

GeneDx
Classification: Uncertain significance. Last evaluated: 2020-09-01. Review status: criteria provided, single submitter. Criteria: GeneDx Variant Classification Process June 2021. Collection method: clinical testing. Allele origin: germline. Affected: yes.
Comment: Not observed in large population cohorts (Lek 2016); In silico analysis supports that this missense variant does not alter protein structure/function; Has not been previously published as pathogenic or benign to our knowledge

NM_000179.3(MSH6):c.866G>C (p.Gly289Ala)

Gene: MSH6 (mutS homolog 6; plus strand). Cytogenetic location: 2p16.3.
Variant type: single nucleotide variant.
Coding change: c.866G>C on transcript NM_000179.3 (MANE Select); coding-DNA position 866, G replaced by C.
Protein change: p.Gly289Ala; replaces glycine 289 with alanine.
Molecular consequence: missense variant. On other transcripts: 5 prime UTR variant (2).
Genome position (GRCh38, 1-based): chr2:47,798,849, G>C. VCF-style: chr2-47798849-G-C. GRCh37 (hg19) VCF-style: chr2-48025988-G-C.
Other names: p.G289A:GGC>GCC; c.476G>C, p.Gly159Ala (NM_001281492.2); c.-41G>C (NM_001281493.2, NM_001281494.2); short protein forms G289A, G159A.
Identifiers: ClinVar variation 182613 (VCV000182613.29), dbSNP rs368318845, ClinGen allele CA016568.